The following is an entry in ClinVar:

ClinVar aggregate classification (germline): Uncertain significance (1 of 4 stars; one submission).

Conditions:
Hereditary cancer-predisposing syndrome. Also called: Tumor predisposition; Hereditary Cancer Syndrome; Hereditary neoplastic syndrome; Neoplastic Syndromes, Hereditary. Identifiers: Orphanet 140162, MedGen C0027672, MeSH D009386, MONDO:0015356.

Submission:

Ambry Genetics
Classification: Uncertain significance for Hereditary cancer-predisposing syndrome. Last evaluated: 2024-05-07. Review status: criteria provided, single submitter. Criteria: Ambry Variant Classification Scheme 2023. Collection method: clinical testing. Allele origin: germline.
Comment: The p.E272G variant (also known as c.815A>G), located in coding exon 4 of the MSH6 gene, results from an A to G substitution at nucleotide position 815. The glutamic acid at codon 272 is replaced by glycine, an amino acid with similar properties. This amino acid position is conserved. In addition, this alteration is predicted to be tolerated by in silico analysis. Based on the available evidence, the clinical significance of this variant remains unclear.

NM_000179.3(MSH6):c.815A>G (p.Glu272Gly)

Gene: MSH6 (mutS homolog 6; plus strand). Cytogenetic location: 2p16.3.
Variant type: single nucleotide variant.
Coding change: c.815A>G on transcript NM_000179.3 (MANE Select); coding-DNA position 815, A replaced by G.
Protein change: p.Glu272Gly; replaces glutamic acid 272 with glycine.
Molecular consequence: missense variant. On other transcripts: 5 prime UTR variant (9), non-coding transcript variant (4), intron variant (1).
Genome position (GRCh38, 1-based): chr2:47,798,798, A>G. VCF-style: chr2-47798798-A-G. GRCh37 (hg19) VCF-style: chr2-48025937-A-G.
Other names: c.425A>G, p.Glu142Gly (NM_001281492.2); c.-92A>G (NM_001281493.2, NM_001281494.2, NM_001406811.1 and 6 more transcripts); c.911A>G, p.Glu304Gly (NM_001406795.1, NM_001406802.1); c.815A>G, p.Glu272Gly (NM_001406796.1, NM_001406798.1, NM_001406800.1 and 4 more transcripts); c.518A>G, p.Glu173Gly (NM_001406797.1, NM_001406801.1, NM_001406805.1 and 10 more transcripts); c.290A>G, p.Glu97Gly (NM_001406799.1, NM_001406806.1, NM_001406807.1); c.737A>G, p.Glu246Gly (NM_001406804.1); c.821A>G, p.Glu274Gly (NM_001406813.1); and 2 more; short protein forms E173G, E246G, E272G, E142G, E274G, E97G, E216G, E304G.
Identifiers: ClinVar variation 3296399 (VCV003296399.1).
Genomic context (GRCh38, chr2:47,798,798, plus strand): 5'-CAGATTCTGAGAGTGACATTGGTGGCTCTGATGTGGAATTTAAGCCAGACACTAAGGAGG[A>G]AGGAAGCAGTGATGAAATAAGCAGTGGAGTGGGGGATAGTGAGAGTGAAGGCCTGAACAG-3'
Protein context (NP_000170.1, residues 262-282): DVEFKPDTKE[Glu272Gly]GSSDEISSGV